The following is an entry in ClinVar:

NM_133443.4(GPT2):c.288G>A (p.Gly96=)

Gene: GPT2 (glutamic--pyruvic transaminase 2; plus strand). Cytogenetic location: 16q11.2.
Variant type: single nucleotide variant.
Coding change: c.288G>A on transcript NM_133443.4 (MANE Select); coding-DNA position 288, G replaced by A.
Protein change: p.Gly96=; no amino-acid change (glycine 96 retained).
Molecular consequence: synonymous variant. On other transcripts: 5 prime UTR variant (1).
Genome position (GRCh38, 1-based): chr16:46,897,692, G>A. VCF-style: chr16-46897692-G-A. GRCh37 (hg19) VCF-style: chr16-46931604-G-A.
Other names: c.-13G>A (NM_001142466.3).
Identifiers: ClinVar variation 3025689 (VCV003025689.22), dbSNP rs1259892565, ClinGen allele CA494991807.
Genomic context (GRCh38, chr16:46,897,692, plus strand): 5'-CTTTCTCTCTGCCCAGGGTATCAAAAAGCCATTCACAGAGGTCATCCGAGCCAACATCGG[G>A]GACGCCCAGGCTATGGGGCAGCAGCCAATCACCTTCCTCCGGCAGGTGAGCCGCCCCCAG-3'
Protein context (NP_597700.1, residues 86-106): PFTEVIRANI[Gly96=]DAQAMGQQPI

ClinVar aggregate classification (germline): Likely benign (1 of 4 stars; one submission).

Allele frequency attached by ClinVar (database versions not stated): gnomAD 0.00002.
gnomAD v4.1: 9 of 1,614,016 alleles (0.00056%); highest among the groups gnomAD compares: Non-Finnish European, 0.00059%; no homozygotes.

Submission:

CeGaT Center for Human Genetics Tuebingen
Classification: Likely benign. Last evaluated: 2024-02-01. Review status: criteria provided, single submitter. Criteria: CeGaT Center For Human Genetics Tuebingen Variant Classification Criteria Version 2. Collection method: clinical testing. Allele origin: germline. Affected: yes. Observed: 1 variant allele.
Comment: GPT2: BP4, BP7